The following is an entry in ClinVar:

NM_206933.4(USH2A):c.3868A>C (p.Thr1290Pro)

Genes: USH2A (usherin; minus strand), USH2A-AS1 (USH2A antisense RNA 1; plus strand). Cytogenetic location: 1q41.
Variant type: single nucleotide variant.
Coding change: c.3868A>C on transcript NM_206933.4 (MANE Select); coding-DNA position 3868, A replaced by C.
Protein change: p.Thr1290Pro; replaces threonine 1290 with proline.
Molecular consequence: missense variant.
Genome position (GRCh38, 1-based): chr1:216,198,528, T>G on the plus strand (A>C on the coding strand, the complement: USH2A is on the minus strand). VCF-style: chr1-216198528-T-G. GRCh37 (hg19) VCF-style: chr1-216371870-T-G.
Other names: c.3868A>C, p.Thr1290Pro (NM_007123.6); short protein forms T1290P.
Identifiers: ClinVar variation 3698916 (VCV003698916.2).
Genomic context (GRCh38, chr1:216,198,528, plus strand): 5'-CTACAAATGAATGAGGACTGAGCCAACCACTGCTCTGAAAAACTCGACTTTCCTCAGATG[T>G]GGTTTCTTTAGTAGATCTCAGTCTTCTCATGTATAGTTCATATCTTATAATTATTCCTAG-3'
Protein context (NP_996816.3, residues 1280-1300): MRRLRSTKET[Thr1290Pro]SEESRVFQSS

ClinVar aggregate classification (germline): Uncertain significance (1 of 4 stars; one submission).

gnomAD v4.1: 2 of 1,613,928 alleles (0.00012%); highest among the groups gnomAD compares: African/African-American, 0.0027%; no homozygotes.

Submission:

Labcorp Genetics (formerly Invitae), Labcorp
Classification: Uncertain significance. Last evaluated: 2024-06-06. Review status: criteria provided, single submitter. Criteria: Invitae Variant Classification Sherloc (09022015). Collection method: clinical testing. Allele origin: germline.
Comment: This sequence change replaces threonine, which is neutral and polar, with proline, which is neutral and non-polar, at codon 1290 of the USH2A protein (p.Thr1290Pro). This variant is not present in population databases (gnomAD no frequency). This variant has not been reported in the literature in individuals affected with USH2A-related conditions. Advanced modeling of protein sequence and biophysical properties (such as structural, functional, and spatial information, amino acid conservation, physicochemical variation, residue mobility, and thermodynamic stability) performed at Invitae indicates that this missense variant is not expected to disrupt USH2A protein function with a negative predictive value of 95%. In summary, the available evidence is currently insufficient to determine the role of this variant in disease. Therefore, it has been classified as a Variant of Uncertain Significance.